The following is an entry in ClinVar:

NM_013275.6(ANKRD11):c.6254G>T (p.Cys2085Phe)

Gene: ANKRD11 (ankyrin repeat domain containing 11; minus strand). Cytogenetic location: 16q24.3.
Variant type: single nucleotide variant.
Coding change: c.6254G>T on transcript NM_013275.6 (MANE Select); coding-DNA position 6254, G replaced by T.
Protein change: p.Cys2085Phe; replaces cysteine 2085 with phenylalanine.
Molecular consequence: missense variant.
Genome position (GRCh38, 1-based): chr16:89,280,288, C>A on the plus strand (G>T on the coding strand, the complement: ANKRD11 is on the minus strand). VCF-style: chr16-89280288-C-A. GRCh37 (hg19) VCF-style: chr16-89346696-C-A.
Other names: c.6254G>T, p.Cys2085Phe (NM_001256182.2, NM_001256183.2); short protein forms C2085F.
Identifiers: ClinVar variation 589047 (VCV000589047.5), dbSNP rs755786402, ClinGen allele CA397151531.

ClinVar aggregate classification (germline): Uncertain significance (1 of 4 stars; one submission).

Conditions:
Inborn genetic diseases. Identifiers: MedGen C0950123, MeSH D030342.

gnomAD v4.1: 1 of 1,602,318 alleles (0.000062%); no homozygotes.

Submission:

Ambry Genetics
Classification: Uncertain significance for Inborn genetic diseases. Last evaluated: 2018-05-14. Review status: criteria provided, single submitter. Criteria: Ambry Variant Classification Scheme 2023. Collection method: clinical testing. Allele origin: germline.
Comment: The p.C2085F variant (also known as c.6254G>T), located in coding exon 7 of the ANKRD11 gene, results from a G to T substitution at nucleotide position 6254. The cysteine at codon 2085 is replaced by phenylalanine, an amino acid with highly dissimilar properties. This amino acid position is not well conserved in available vertebrate species. In addition, this alteration is predicted to be tolerated by in silico analysis. Since supporting evidence is limited at this time, the clinical significance of this alteration remains unclear.